The following is an entry in ClinVar:

ClinVar aggregate classification (germline): Uncertain significance. Review status: criteria provided, multiple submitters, no conflicts (2 of 4 stars). 2 submissions from 2 submitters: Uncertain significance (2). Last evaluated 2024-01-15.

Conditions:
Mismatch repair cancer syndrome 3. Identifiers: MedGen C5436807, MONDO:0030841, OMIM 619097.
Lynch syndrome 5 (LYNCH5). Also called: Colorectal cancer, hereditary nonpolyposis, type 5; Hereditary non-polyposis colorectal cancer, type 5. Identifiers: Orphanet 144, MedGen C1833477, MONDO:0013710, OMIM 614350. Disease mechanism: loss of function.
Endometrial carcinoma. Also called: Endometrial carcinoma, somatic. Identifiers: MedGen C0476089, MONDO:0002447, OMIM 608089, HP:0012114.
Hereditary cancer-predisposing syndrome. Also called: Neoplastic Syndromes, Hereditary; Tumor predisposition; Hereditary neoplastic syndrome; Hereditary Cancer Syndrome. Identifiers: Orphanet 140162, MedGen C0027672, MeSH D009386, MONDO:0015356.

Submissions (2):

Department of Pathology and Laboratory Medicine, Sinai Health System
Classification: Uncertain significance for Endometrial carcinoma; Lynch syndrome 5; Mismatch repair cancer syndrome 3. Last evaluated: 2024-01-15. Review status: criteria provided, single submitter. Criteria: ACMG Guidelines, 2015. Collection method: clinical testing. Allele origin: germline. Affected: no.

Ambry Genetics
Classification: Uncertain significance for Hereditary cancer-predisposing syndrome. Last evaluated: 2017-10-04. Review status: criteria provided, single submitter. Criteria: Ambry Variant Classification Scheme 2023. Collection method: clinical testing. Allele origin: germline.
Comment: The p.K246E variant (also known as c.736A>G), located in coding exon 4 of the MSH6 gene, results from an A to G substitution at nucleotide position 736. The lysine at codon 246 is replaced by glutamic acid, an amino acid with similar properties. This amino acid position is well conserved in available vertebrate species. In addition, this alteration is predicted to be deleterious by in silico analysis. In addition, the CoDP in silico tool predicts this alteration to have minor impact on molecular function, with a score of 0.000 (Terui H et al. J. Biomed. Sci. 2013 Apr;20:25). Since supporting evidence is limited at this time, the clinical significance of this alteration remains unclear.

NM_000179.3(MSH6):c.736A>G (p.Lys246Glu)

Gene: MSH6 (mutS homolog 6; plus strand). Cytogenetic location: 2p16.3.
Variant type: single nucleotide variant.
Coding change: c.736A>G on transcript NM_000179.3 (MANE Select); coding-DNA position 736, A replaced by G.
Protein change: p.Lys246Glu; replaces lysine 246 with glutamic acid.
Molecular consequence: missense variant. On other transcripts: 5 prime UTR variant (2).
Genome position (GRCh38, 1-based): chr2:47,798,719, A>G. VCF-style: chr2-47798719-A-G. GRCh37 (hg19) VCF-style: chr2-48025858-A-G.
Other names: c.346A>G, p.Lys116Glu (NM_001281492.2); c.-171A>G (NM_001281493.2, NM_001281494.2); short protein forms K116E, K246E.
Identifiers: ClinVar variation 826992 (VCV000826992.5), dbSNP rs1572720148, ClinGen allele CA346740062.
Genomic context (GRCh38, chr2:47,798,719, plus strand): 5'-GAGAGTGAAGAGGAAGTACAGCCTAAGACACAAGGATCTAGGCGAAGTAGCCGCCAAATA[A>G]AAAAACGAAGGGTCATATCAGATTCTGAGAGTGACATTGGTGGCTCTGATGTGGAATTTA-3'
Protein context (NP_000170.1, residues 236-256): QGSRRSSRQI[Lys246Glu]KRRVISDSES